The following is an entry in ClinVar:

ClinVar aggregate classification (germline): Uncertain significance (1 of 4 stars; one submission).

gnomAD v4.1: 2 of 1,613,392 alleles (0.00012%); highest among the groups gnomAD compares: South Asian, 0.0011%; no homozygotes.

Submission:

Labcorp Genetics (formerly Invitae), Labcorp
Classification: Uncertain significance. Last evaluated: 2025-01-23. Review status: criteria provided, single submitter. Criteria: Invitae Variant Classification Sherloc (09022015). Collection method: clinical testing. Allele origin: germline.
Comment: This sequence change replaces isoleucine, which is neutral and non-polar, with threonine, which is neutral and polar, at codon 23 of the ARPC1B protein (p.Ile23Thr). This variant is not present in population databases (gnomAD no frequency). This variant has not been reported in the literature in individuals affected with ARPC1B-related conditions. Invitae Evidence Modeling of protein sequence and biophysical properties (such as structural, functional, and spatial information, amino acid conservation, physicochemical variation, residue mobility, and thermodynamic stability) indicates that this missense variant is expected to disrupt ARPC1B protein function with a positive predictive value of 80%. In summary, the available evidence is currently insufficient to determine the role of this variant in disease. Therefore, it has been classified as a Variant of Uncertain Significance.

NM_005720.4(ARPC1B):c.68T>C (p.Ile23Thr)

Gene: ARPC1B (actin related protein 2/3 complex subunit 1B; plus strand). Cytogenetic location: 7q22.1.
Variant type: single nucleotide variant.
Coding change: c.68T>C on transcript NM_005720.4 (MANE Select); coding-DNA position 68, T replaced by C.
Protein change: p.Ile23Thr; replaces isoleucine 23 with threonine.
Molecular consequence: missense variant.
Genome position (GRCh38, 1-based): chr7:99,386,688, T>C. VCF-style: chr7-99386688-T-C. GRCh37 (hg19) VCF-style: chr7-98984311-T-C.
Other names: short protein forms I23T.
Identifiers: ClinVar variation 3625315 (VCV003625315.2).
Genomic context (GRCh38, chr7:99,386,688, plus strand): 5'-CCTGGCAGAGGGCAGTCATGGAGAGGGCCCCTCAATCTCCCTCCATCTCCCCTTCAGAGA[T>C]TGCCATCTGCCCCAACAACCATGAGGTGCATATCTATGAAAAGAGCGGTGCCAAATGGAC-3'
Protein context (NP_005711.1, residues 13-33): CHAWNKDRTQ[Ile23Thr]AICPNNHEVH